The following is an entry in ClinVar:

ClinVar aggregate classification (germline): VUS-mid (1 of 4 stars; one submission).

Conditions:
Familial hypocalciuric hypercalcemia 1. Also called: Hypercalcemia, familial benign type 1. Identifiers: Orphanet 405, Orphanet 93372, MedGen C0342637, MONDO:0007791, OMIM 145980.

Submission:

MVZ Dr. Eberhard & Partner Dortmund
Classification: VUS-mid for Familial hypocalciuric hypercalcemia 1. Review status: criteria provided, single submitter. Criteria: ACMG Guidelines, 2015. Collection method: clinical testing. Allele origin: unknown.
Comment: The variant has not been described in the literature nor detected in control populations. Although amino acid threonine at position 263 is highly conserved, in silico analyses did not provide clear evidence of functional impairment resulting from its replacement by proline. Another variant at the same codon has been described in two independent patients with hypocaciuric hypercalcaemia (p.Thr263Met). The data currently available do not permit a definitive assessment of p.(Thr263Pro). We therefore currently classify this variant as a variant of uncertain significance (VUS).

NM_000388.4(CASR):c.787A>C (p.Thr263Pro)

Gene: CASR (calcium sensing receptor; plus strand). Cytogenetic location: 3q21.1.
Variant type: single nucleotide variant.
Coding change: c.787A>C on transcript NM_000388.4 (MANE Select); coding-DNA position 787, A replaced by C.
Protein change: p.Thr263Pro; replaces threonine 263 with proline.
Molecular consequence: missense variant.
Genome position (GRCh38, 1-based): chr3:122,261,822, A>C. VCF-style: chr3-122261822-A-C. GRCh37 (hg19) VCF-style: chr3-121980669-A-C.
Other names: c.787A>C, p.Thr263Pro (NM_001178065.2); short protein forms T263P.
Identifiers: ClinVar variation 5038026 (VCV005038026.1).